The following is an entry in ClinVar:

NM_018026.4(PACS1):c.849G>T (p.Glu283Asp)

Gene: PACS1 (phosphofurin acidic cluster sorting protein 1; plus strand). Cytogenetic location: 11q13.2.
Variant type: single nucleotide variant.
Coding change: c.849G>T on transcript NM_018026.4 (MANE Select); coding-DNA position 849, G replaced by T.
Protein change: p.Glu283Asp; replaces glutamic acid 283 with aspartic acid.
Molecular consequence: missense variant.
Genome position (GRCh38, 1-based): chr11:66,216,563, G>T. VCF-style: chr11-66216563-G-T. GRCh37 (hg19) VCF-style: chr11-65984034-G-T.
Other names: short protein forms E283D.
Identifiers: ClinVar variation 1312775 (VCV001312775.2), dbSNP rs1855214142, ClinGen allele CA381349720.

ClinVar aggregate classification (germline): Uncertain significance (1 of 4 stars; one submission).

Submission:

GeneDx
Classification: Uncertain significance. Last evaluated: 2020-01-23. Review status: criteria provided, single submitter. Criteria: GeneDx Variant Classification Process June 2021. Collection method: clinical testing. Allele origin: germline. Affected: yes.
Comment: Not observed in large population cohorts (Lek et al., 2016); In silico analysis, which includes protein predictors and evolutionary conservation, supports that this variant does not alter protein structure/function; Has not been previously published as pathogenic or benign to our knowledge